The following is an entry in ClinVar:

NM_014000.3(VCL):c.404T>C (p.Ile135Thr)

Gene: VCL (vinculin; plus strand). Cytogenetic location: 10q22.2.
Variant type: single nucleotide variant.
Coding change: c.404T>C on transcript NM_014000.3 (MANE Select); coding-DNA position 404, T replaced by C.
Protein change: p.Ile135Thr; replaces isoleucine 135 with threonine.
Molecular consequence: missense variant.
Genome position (GRCh38, 1-based): chr10:74,070,988, T>C. VCF-style: chr10-74070988-T-C. GRCh37 (hg19) VCF-style: chr10-75830746-T-C.
Other names: c.404T>C, p.Ile135Thr (NM_003373.4); short protein forms I135T.
Identifiers: ClinVar variation 192100 (VCV000192100.26), dbSNP rs373744314, ClinGen allele CA238349.

ClinVar aggregate classification (germline): Conflicting classifications of pathogenicity. Review status: criteria provided, conflicting classifications (1 of 4 stars). 8 submissions from 8 submitters: Uncertain significance (2); Benign (1); Likely benign (4). 1 of the submissions does not count toward it. Last evaluated 2025-12-29.

Conditions:
Cardiovascular phenotype. Identifiers: MedGen CN230736.
VCL-related disorder. Also called: VCL-related condition.
Cardiomyopathy (CMYO). Also called: Cardiomyopathies. Identifiers: Orphanet 167848, MedGen C0878544, MONDO:0004994, HP:0001638. Inheritance: Various modes of inheritance.
Dilated cardiomyopathy 1W (CMD1W). Identifiers: Orphanet 154, MedGen C1969639, MONDO:0012667, OMIM 611407.

Allele frequency attached by ClinVar (database versions not stated): gnomAD 0.00006 and 0.00017; TOPMed 0.00007; ESP Exome Variant Server 0.00008; gnomAD exomes 0.00026 and 0.00050; ExAC 0.00058; 1000 Genomes Project 0.00060; 1000 Genomes Project 30x 0.00078.
gnomAD v4.1: 408 of 1,614,170 alleles (0.025%); highest among the groups gnomAD compares: South Asian, 0.36%; 3 homozygotes.

Submissions (8):

Labcorp Genetics (formerly Invitae), Labcorp
Classification: Likely benign for Dilated cardiomyopathy 1W. Last evaluated: 2025-12-29. Review status: criteria provided, single submitter. Criteria: Invitae Variant Classification Sherloc (09022015). Collection method: clinical testing. Allele origin: germline.

Blueprint Genetics
Classification: Likely benign. Last evaluated: 2024-09-06. Review status: criteria provided, single submitter. Criteria: ACMG Guidelines, 2015. Collection method: clinical testing. Allele origin: germline.

Ambry Genetics
Classification: Likely benign for Cardiovascular phenotype. Last evaluated: 2020-06-01. Review status: criteria provided, single submitter. Criteria: Ambry Variant Classification Scheme 2023. Collection method: clinical testing. Allele origin: germline.

GeneDx
Classification: Likely benign. Last evaluated: 2019-08-12. Review status: criteria provided, single submitter. Criteria: GeneDx Variant Classification Process June 2021. Collection method: clinical testing. Allele origin: germline. Affected: yes.
Comment: This variant is associated with the following publications: (PMID: 23861362)

Illumina Laboratory Services, Illumina
Classification: Benign for Dilated cardiomyopathy 1W. Last evaluated: 2017-07-20. Review status: criteria provided, single submitter. Criteria: ICSL Variant Classification Criteria 13 December 2019. Collection method: clinical testing. Allele origin: germline.
Comment: This variant was observed as part of a predisposition screen in an ostensibly healthy population. A literature search was performed for the gene, cDNA change, and amino acid change (where applicable). No publications were found based on this search. Allele frequency data from public databases was too high to be consistent with this variant causing disease. Therefore, this variant is classified as benign.

CHEO Genetics Diagnostic Laboratory, Children's Hospital of Eastern Ontario
Classification: Uncertain significance for Cardiomyopathy. Last evaluated: 2016-03-07. Review status: criteria provided, single submitter. Criteria: ACMG Guidelines, 2015. Collection method: clinical testing. Allele origin: germline. Study: Canadian Open Genetics Repository.

Biesecker Lab/Clinical Genomics Section, National Institutes of Health
Classification: Uncertain significance. Last evaluated: 2013-06-24. Review status: criteria provided, single submitter. Criteria: Ng et al. (Circ Cardiovasc Genet. 2013). Collection method: research. Allele origin: unknown. Observed: 1 variant allele. Study: ClinSeq.
Comment: The study set was not selected for affection status in relation to any cancer. Pathogenicity categories were based on literature curation. See Pubmed ID:23861362 for details.

Medical sequencing

PreventionGenetics, part of Exact Sciences
Classification: Likely benign for VCL-related condition. Last evaluated: 2020-09-11. Review status: no assertion criteria provided. Collection method: clinical testing. Allele origin: germline. Not counted in ClinVar's aggregate classification.
Comment: This variant is classified as likely benign based on ACMG/AMP sequence variant interpretation guidelines (Richards et al. 2015 PMID: 25741868, with internal and published modifications).

Literature cited by the submitters: PubMed 23861362 (cited by Ambry Genetics); PubMed 29875424 (cited by Ambry Genetics).